The following is an entry in ClinVar:

ClinVar aggregate classification (germline): Uncertain significance. Review status: criteria provided, multiple submitters, no conflicts (2 of 4 stars). 2 submissions from 2 submitters: Uncertain significance (2). Last evaluated 2026-02-28.

Conditions:
Hereditary cancer-predisposing syndrome. Also called: Hereditary neoplastic syndrome; Neoplastic Syndromes, Hereditary; Tumor predisposition; Hereditary Cancer Syndrome. Identifiers: Orphanet 140162, MedGen C0027672, MeSH D009386, MONDO:0015356.
Retinoblastoma (RB1). Also called: RETINOBLASTOMA, SOMATIC. Identifiers: Orphanet 790, MedGen C0035335, MeSH D012175, MONDO:0008380, OMIM 180200, HP:0009919. Disease mechanism: loss of function. Inheritance: Both sporadic and heritable forms are tested..

Submissions (2):

Ambry Genetics
Classification: Uncertain significance for Hereditary cancer-predisposing syndrome. Last evaluated: 2026-02-28. Review status: criteria provided, single submitter. Criteria: Ambry Variant Classification Scheme 2023. Collection method: clinical testing. Allele origin: germline.
Comment: The p.L44F variant (also known as c.130C>T), located in coding exon 1 of the RB1 gene, results from a C to T substitution at nucleotide position 130. The leucine at codon 44 is replaced by phenylalanine, an amino acid with highly similar properties. This amino acid position is conserved. In addition, this alteration is predicted to be tolerated by in silico analysis. Based on the available evidence, the clinical significance of this variant remains unclear.

Labcorp Genetics (formerly Invitae), Labcorp
Classification: Uncertain significance for Retinoblastoma. Last evaluated: 2022-01-11. Review status: criteria provided, single submitter. Criteria: Invitae Variant Classification Sherloc (09022015). Collection method: clinical testing. Allele origin: germline.
Comment: This sequence change replaces leucine, which is neutral and non-polar, with phenylalanine, which is neutral and non-polar, at codon 44 of the RB1 protein (p.Leu44Phe). This variant is not present in population databases (gnomAD no frequency). This variant has not been reported in the literature in individuals affected with RB1-related conditions. Algorithms developed to predict the effect of missense changes on protein structure and function (SIFT, PolyPhen-2, Align-GVGD) all suggest that this variant is likely to be tolerated. In summary, the available evidence is currently insufficient to determine the role of this variant in disease. Therefore, it has been classified as a Variant of Uncertain Significance.

NM_000321.3(RB1):c.130C>T (p.Leu44Phe)

Gene: RB1 (RB transcriptional corepressor 1; plus strand). Cytogenetic location: 13q14.2.
Variant type: single nucleotide variant.
Coding change: c.130C>T on transcript NM_000321.3 (MANE Select); coding-DNA position 130, C replaced by T.
Protein change: p.Leu44Phe; replaces leucine 44 with phenylalanine.
Molecular consequence: missense variant.
Genome position (GRCh38, 1-based): chr13:48,304,042, C>T. VCF-style: chr13-48304042-C-T. GRCh37 (hg19) VCF-style: chr13-48878178-C-T.
Other names: c.130C>T, p.Leu44Phe (NM_001407165.1, NM_001407166.1, NM_001407167.1); short protein forms L44F.
Identifiers: ClinVar variation 2171516 (VCV002171516.5), dbSNP rs1345893304, ClinGen allele CA388250391.